The following is an entry in ClinVar:

ClinVar aggregate classification (germline): Uncertain significance (1 of 4 stars; one submission).

Allele frequency attached by ClinVar (database versions not stated): gnomAD exomes 0.00001; ExAC 0.00004; TOPMed 0.00009; gnomAD 0.00013; ESP Exome Variant Server 0.00015.
gnomAD v4.1: 30 of 1,613,284 alleles (0.0019%); highest among the groups gnomAD compares: African/African-American, 0.04%; no homozygotes.

Submission:

Labcorp Genetics (formerly Invitae), Labcorp
Classification: Uncertain significance. Last evaluated: 2024-05-24. Review status: criteria provided, single submitter. Criteria: Invitae Variant Classification Sherloc (09022015). Collection method: clinical testing. Allele origin: germline.
Comment: This sequence change replaces glutamine, which is neutral and polar, with arginine, which is basic and polar, at codon 1508 of the HMCN1 protein (p.Gln1508Arg). This variant is present in population databases (rs367764151, gnomAD 0.05%). This variant has not been reported in the literature in individuals affected with HMCN1-related conditions. ClinVar contains an entry for this variant (Variation ID: 1896204). An algorithm developed to predict the effect of missense changes on protein structure and function (PolyPhen-2) suggests that this variant is likely to be disruptive. In summary, the available evidence is currently insufficient to determine the role of this variant in disease. Therefore, it has been classified as a Variant of Uncertain Significance.

NM_031935.3(HMCN1):c.4523A>G (p.Gln1508Arg)

Gene: HMCN1 (hemicentin 1; plus strand). Cytogenetic location: 1q31.1.
Variant type: single nucleotide variant.
Coding change: c.4523A>G on transcript NM_031935.3 (MANE Select); coding-DNA position 4523, A replaced by G.
Protein change: p.Gln1508Arg; replaces glutamine 1508 with arginine.
Molecular consequence: missense variant.
Genome position (GRCh38, 1-based): chr1:186,007,175, A>G. VCF-style: chr1-186007175-A-G. GRCh37 (hg19) VCF-style: chr1-185976307-A-G.
Other names: short protein forms Q1508R.
Identifiers: ClinVar variation 1896204 (VCV001896204.5), dbSNP rs367764151, ClinGen allele CA1292043.